The following is an entry in ClinVar:

ClinVar aggregate classification (germline): Uncertain significance (1 of 4 stars; one submission).

gnomAD v4.1: 1 of 1,197,731 alleles (0.000083%); highest among the groups gnomAD compares: Admixed American, 0.0022%; no homozygotes.

Submission:

Ambry Genetics
Classification: Uncertain significance. Last evaluated: 2026-09-11. Review status: criteria provided, single submitter. Criteria: Ambry Variant Classification Scheme 2023. Collection method: clinical testing. Allele origin: germline.
Comment: The c.2338G>A (p.A780T) alteration is located in exon 12 (coding exon 11) of the GUCY2F gene. This alteration results from a G to A substitution at nucleotide position 2338, causing the alanine (A) at amino acid position 780 to be replaced by a threonine (T). Based on data from gnomAD, the A allele has an overall frequency of <0.001% (1/182949) total alleles studied. The highest observed frequency was 0.004% (1/27408) of Latino alleles. Based on insufficient or conflicting evidence, the clinical significance of this alteration remains unclear.

NM_001522.3(GUCY2F):c.2338G>A (p.Ala780Thr)

Gene: GUCY2F (guanylate cyclase 2F, retinal; minus strand). Cytogenetic location: Xq22.3.
Variant type: single nucleotide variant.
Coding change: c.2338G>A on transcript NM_001522.3 (MANE Select); coding-DNA position 2338, G replaced by A.
Protein change: p.Ala780Thr; replaces alanine 780 with threonine.
Molecular consequence: missense variant.
Genome position (GRCh38, 1-based): chrX:109,395,427, C>T on the plus strand (G>A on the coding strand, the complement: GUCY2F is on the minus strand). VCF-style: chrX-109395427-C-T. GRCh37 (hg19) VCF-style: chrX-108638656-C-T.
Other names: short protein forms A780T.
Identifiers: ClinVar variation 5022559 (VCV005022559.1).